The following is an entry in ClinVar:

ClinVar aggregate classification (germline): Uncertain significance (1 of 4 stars; one submission).

Conditions:
SCAPER-related disorder. Also called: SCAPER-related condition.

gnomAD v4.1: 2 of 1,609,644 alleles (0.00012%); highest among the groups gnomAD compares: Non-Finnish European, 0.00017%; no homozygotes.

Submission:

PreventionGenetics, part of Exact Sciences
Classification: Uncertain significance for SCAPER-related condition. Last evaluated: 2024-12-30. Review status: criteria provided, single submitter. Criteria: ACMG Guidelines, 2015. Collection method: clinical testing. Allele origin: germline.
Comment: The SCAPER c.1034A>G variant is predicted to result in the amino acid substitution p.Gln345Arg. This variant is located near an intron-exon boundary, and is predicted to alter splicing based on available splicing prediction programs (SpliceAI, Jaganathan et al. 2019. PubMed ID: 30661751). To our knowledge, this variant has not been reported in the literature or in a large population database (gnomAD), indicating this variant is rare. At this time, the clinical significance of this variant is uncertain due to the absence of conclusive functional and genetic evidence.

NM_020843.4(SCAPER):c.1034A>G (p.Gln345Arg)

Gene: SCAPER (S-phase cyclin A associated protein in the ER; minus strand). Cytogenetic location: 15q24.3.
Variant type: single nucleotide variant.
Coding change: c.1034A>G on transcript NM_020843.4 (MANE Select); coding-DNA position 1034, A replaced by G.
Protein change: p.Gln345Arg; replaces glutamine 345 with arginine.
Molecular consequence: missense variant. On other transcripts: non-coding transcript variant (1).
Genome position (GRCh38, 1-based): chr15:76,774,856, T>C on the plus strand (A>G on the coding strand, the complement: SCAPER is on the minus strand). VCF-style: chr15-76774856-T-C. GRCh37 (hg19) VCF-style: chr15-77067197-T-C.
Other names: c.296A>G, p.Gln99Arg (NM_001145923.2); c.1034A>G, p.Gln345Arg (NM_001353009.2); c.632A>G, p.Gln211Arg (NM_001353010.2, NM_001353011.2, NM_001353012.2); short protein forms Q99R, Q211R, Q345R.
Identifiers: ClinVar variation 4982035 (VCV004982035.1).
Genomic context (GRCh38, chr15:76,774,856, plus strand): 5'-TACACATGTACACATACACCTTTGAAAAAGACAGTAAAAGGATTTTCAGAATGTACTACC[T>C]GGGTTTTTTCGGCAAGAGGATGGTCACAAGAGTGTAATGAGTCTTTGGGATGAGATTCTA-3'
Protein context (NP_065894.2, residues 335-355): SCDHPLAEKT[Gln345Arg]FTVSTLDDVK